The following is an entry in ClinVar:

ClinVar aggregate classification (germline): Conflicting classifications of pathogenicity. Review status: criteria provided, conflicting classifications (1 of 4 stars). 4 submissions from 4 submitters: Uncertain significance (2); Likely benign (1). 1 of the submissions does not count toward it. Last evaluated 2025-08-21.

Conditions:
Hereditary cancer-predisposing syndrome. Also called: Tumor predisposition; Neoplastic Syndromes, Hereditary; Hereditary Cancer Syndrome; Hereditary neoplastic syndrome. Identifiers: Orphanet 140162, MedGen C0027672, MeSH D009386, MONDO:0015356.
POLD1-related polyposis and colorectal cancer syndrome (CRCS10). Also called: Colorectal cancer 10; COLORECTAL CANCER, SUSCEPTIBILITY TO, ON CHROMOSOME 19q; Colorectal cancer, susceptibility to, 10. Identifiers: Orphanet 220460, MedGen C2675481, MONDO:0012953, OMIM 612591.
POLD1-related disorder. Also called: POLD1-related condition; POLD1-related disorders.

Allele frequency attached by ClinVar (database versions not stated): gnomAD exomes below 0.00001 and 0.00001; TOPMed below 0.00001.
gnomAD v4.1: 2 of 1,609,792 alleles (0.00012%); highest among the groups gnomAD compares: Admixed American, 0.0033%; no homozygotes.

Submissions (4):

Labcorp Genetics (formerly Invitae), Labcorp
Classification: Uncertain significance for POLD1-related polyposis and colorectal cancer syndrome. Last evaluated: 2025-08-21. Review status: criteria provided, single submitter. Criteria: Invitae Variant Classification Sherloc (09022015). Collection method: clinical testing. Allele origin: germline.
Comment: This sequence change replaces glutamic acid, which is acidic and polar, with alanine, which is neutral and non-polar, at codon 634 of the POLD1 protein (p.Glu634Ala). This variant is present in population databases (no rsID available, gnomAD 0.006%). This variant has not been reported in the literature in individuals affected with POLD1-related conditions. ClinVar contains an entry for this variant (Variation ID: 537039). Invitae Evidence Modeling of protein sequence and biophysical properties (such as structural, functional, and spatial information, amino acid conservation, physicochemical variation, residue mobility, and thermodynamic stability) indicates that this missense variant is not expected to disrupt POLD1 protein function with a negative predictive value of 80%. RNA analysis performed to evaluate the impact of this missense change on mRNA splicing indicates it does not significantly alter splicing (internal data). In summary, the available evidence is currently insufficient to determine the role of this variant in disease. Therefore, it has been classified as a Variant of Uncertain Significance.

Ambry Genetics
Classification: Likely benign for Hereditary cancer-predisposing syndrome. Last evaluated: 2025-02-18. Review status: criteria provided, single submitter. Criteria: Ambry Variant Classification Scheme 2023. Collection method: clinical testing. Allele origin: germline.

GeneDx
Classification: Uncertain significance. Last evaluated: 2022-06-21. Review status: criteria provided, single submitter. Criteria: GeneDx Variant Classification Process June 2021. Collection method: clinical testing. Allele origin: germline. Affected: yes.
Comment: Not observed at significant frequency in large population cohorts (gnomAD); In silico analysis supports that this missense variant does not alter protein structure/function; Has not been previously published as pathogenic or benign to our knowledge; In silico analysis, which includes splice predictors and evolutionary conservation, suggests this variant may impact gene splicing. In the absence of RNA/functional studies, the actual effect of this sequence change is unknown.; This variant is associated with the following publications: (PMID: 29056344)

PreventionGenetics, part of Exact Sciences
Classification: Uncertain significance for POLD1-related condition. Last evaluated: 2024-07-12. Review status: no assertion criteria provided. Collection method: clinical testing. Allele origin: germline. Not counted in ClinVar's aggregate classification.
Comment: The POLD1 c.1901A>C variant is predicted to result in the amino acid substitution p.Glu634Ala. To our knowledge, this variant has not been reported in the literature. This variant is reported in 0.0058% of alleles in individuals of Latino descent in gnomAD. This variant is interpreted as a variant of uncertain significance in ClinVar. At this time, the clinical significance of this variant is uncertain due to the absence of conclusive functional and genetic evidence.

NM_002691.4(POLD1):c.1901A>C (p.Glu634Ala)

Gene: POLD1 (DNA polymerase delta 1, catalytic subunit; plus strand). Cytogenetic location: 19q13.33.
Variant type: single nucleotide variant.
Coding change: c.1901A>C on transcript NM_002691.4 (MANE Select); coding-DNA position 1901, A replaced by C.
Protein change: p.Glu634Ala; replaces glutamic acid 634 with alanine.
Molecular consequence: missense variant. On other transcripts: non-coding transcript variant (1).
Genome position (GRCh38, 1-based): chr19:50,409,130, A>C. VCF-style: chr19-50409130-A-C. GRCh37 (hg19) VCF-style: chr19-50912387-A-C.
Other names: c.1901A>C, p.Glu634Ala (NM_001256849.1); c.1979A>C, p.Glu660Ala (NM_001308632.1); short protein forms E634A, E660A.
Identifiers: ClinVar variation 537039 (VCV000537039.13), dbSNP rs1236887089, ClinGen allele CA406982199.